The following is an entry in ClinVar:

ClinVar aggregate classification (germline): Uncertain significance (1 of 4 stars; one submission).

Conditions:
EHHADH-related disorder. Also called: EHHADH-related condition.

gnomAD v4.1: 17 of 1,614,100 alleles (0.0011%); highest among the groups gnomAD compares: East Asian, 0.018%; no homozygotes.

Submission:

PreventionGenetics, part of Exact Sciences
Classification: Uncertain significance for EHHADH-related condition. Last evaluated: 2026-07-08. Review status: criteria provided, single submitter. Criteria: ACMG Guidelines, 2015. Collection method: clinical testing. Allele origin: germline.
Comment: The EHHADH c.1363A>G variant is predicted to result in the amino acid substitution p.Thr455Ala. To our knowledge, this variant has not been reported in the literature. This variant is reported in 0.0033% of alleles in individuals of South Asian descent in gnomAD. At this time, the clinical significance of this variant is uncertain due to the absence of conclusive functional and genetic evidence.

NM_001966.4(EHHADH):c.1363A>G (p.Thr455Ala)

Gene: EHHADH (enoyl-CoA hydratase and 3-hydroxyacyl CoA dehydrogenase; minus strand). Cytogenetic location: 3q27.2.
Variant type: single nucleotide variant.
Coding change: c.1363A>G on transcript NM_001966.4 (MANE Select); coding-DNA position 1363, A replaced by G.
Protein change: p.Thr455Ala; replaces threonine 455 with alanine.
Molecular consequence: missense variant.
Genome position (GRCh38, 1-based): chr3:185,193,035, T>C on the plus strand (A>G on the coding strand, the complement: EHHADH is on the minus strand). VCF-style: chr3-185193035-T-C. GRCh37 (hg19) VCF-style: chr3-184910823-T-C.
Other names: c.1075A>G, p.Thr359Ala (NM_001166415.2); short protein forms T455A, T359A.
Identifiers: ClinVar variation 4987710 (VCV004987710.1).